The following is an entry in ClinVar:

ClinVar aggregate classification (germline): Benign (1 of 4 stars; one submission).

Conditions:
Juvenile polyposis syndrome (JPS). Identifiers: Orphanet 2929, MedGen C0345893, MONDO:0017380, OMIM 174900.

Submission:

Myriad Genetics, Inc.
Classification: Benign for Juvenile polyposis syndrome. Last evaluated: 2024-08-05. Review status: criteria provided, single submitter. Criteria: Myriad Autosomal Dominant, Autosomal Recessive and X-Linked Classification Criteria (2023). Collection method: clinical testing. Allele origin: unknown.
Comment: This variant is considered benign. This variant is a silent/synonymous amino acid change and it is not expected to impact splicing.

NM_004329.3(BMPR1A):c.712C>A (p.Arg238=)

Gene: BMPR1A (bone morphogenetic protein receptor type 1A; plus strand). Cytogenetic location: 10q23.2.
Variant type: single nucleotide variant.
Coding change: c.712C>A on transcript NM_004329.3 (MANE Select); coding-DNA position 712, C replaced by A.
Protein change: p.Arg238=; no amino-acid change (arginine 238 retained).
Molecular consequence: synonymous variant. On other transcripts: non-coding transcript variant (3).
Genome position (GRCh38, 1-based): chr10:86,917,170, C>A. VCF-style: chr10-86917170-C-A. GRCh37 (hg19) VCF-style: chr10-88676927-C-A.
Other names: c.787C>A, p.Arg263= (NM_001406559.1); c.760C>A, p.Arg254= (NM_001406560.1); c.712C>A, p.Arg238= (NM_001406561.1, NM_001406562.1, NM_001406563.1 and 19 more transcripts); c.706C>A, p.Arg236= (NM_001406583.1); c.628C>A, p.Arg210= (NM_001406584.1, NM_001406585.1, NM_001406586.1 and 2 more transcripts); c.370C>A, p.Arg124= (NM_001406589.1).
Identifiers: ClinVar variation 3378620 (VCV003378620.1).